The following is an entry in ClinVar:

ClinVar aggregate classification (germline): Benign/Likely benign. Review status: criteria provided, multiple submitters, no conflicts (2 of 4 stars). 5 submissions from 5 submitters: Benign (3); Likely benign (2). Last evaluated 2026-04-01.

Conditions:
Congenital myasthenic syndrome 8. Also called: MYASTHENIC SYNDROME, CONGENITAL, DUE TO AGRIN DEFICIENCY; Myasthenic syndrome, congenital, 8, with pre- and postsynaptic defects. Identifiers: Orphanet 590, MedGen C3808739, MONDO:0014052, OMIM 615120.

Allele frequency attached by ClinVar (database versions not stated): 1000 Genomes Project 30x 0.00109; 1000 Genomes Project 0.00120; TOPMed 0.00241; ESP Exome Variant Server 0.00324; gnomAD exomes 0.00345 and 0.00390; ExAC 0.00423; gnomAD 0.00493.
gnomAD v4.1: 6,165 of 1,601,112 alleles (0.39%); highest among the groups gnomAD compares: Non-Finnish European, 0.4%; 20 homozygotes.

Submissions (5):

CeGaT Center for Human Genetics Tuebingen
Classification: Likely benign. Last evaluated: 2026-04-01. Review status: criteria provided, single submitter. Criteria: CeGaT Center For Human Genetics Tuebingen Variant Classification Criteria Version 2. Collection method: clinical testing. Allele origin: germline. Affected: yes. Observed: 3 variant alleles.
Comment: AGRN: PP3, BS2

Labcorp Genetics (formerly Invitae), Labcorp
Classification: Benign for Congenital myasthenic syndrome 8. Last evaluated: 2026-01-19. Review status: criteria provided, single submitter. Criteria: Invitae Variant Classification Sherloc (09022015). Collection method: clinical testing. Allele origin: germline.

GeneDx
Classification: Likely benign. Last evaluated: 2019-12-06. Review status: criteria provided, single submitter. Criteria: GeneDx Variant Classification Process June 2021. Collection method: clinical testing. Allele origin: germline. Affected: yes.
Comment: This variant is associated with the following publications: (PMID: 19631309)

Genetic Services Laboratory, University of Chicago
Classification: Benign. Last evaluated: 2017-09-27. Review status: criteria provided, single submitter. Criteria: ACMG Guidelines, 2015. Collection method: clinical testing. Allele origin: germline. Affected: no.

PreventionGenetics, part of Exact Sciences
Classification: Benign. Review status: criteria provided, single submitter. Criteria: ACMG Guidelines, 2015. Collection method: clinical testing. Allele origin: germline.

NM_198576.4(AGRN):c.5201G>A (p.Arg1734His)

Genes: AGRN (agrin; plus strand), LOC129929078 (ATAC-STARR-seq lymphoblastoid silent region 24; plus strand). Cytogenetic location: 1p36.33.
Variant type: single nucleotide variant.
Coding change: c.5201G>A on transcript NM_198576.4 (MANE Select); coding-DNA position 5201, G replaced by A.
Protein change: p.Arg1734His; replaces arginine 1734 with histidine.
Molecular consequence: missense variant.
Genome position (GRCh38, 1-based): chr1:1,050,785, G>A. VCF-style: chr1-1050785-G-A. GRCh37 (hg19) VCF-style: chr1-986165-G-A.
Other names: c.5201G>A, p.Arg1734His (NM_001305275.2); c.4886G>A, p.Arg1629His (NM_001364727.2); short protein forms R1734H, R1629H.
Identifiers: ClinVar variation 263195 (VCV000263195.58), dbSNP rs145444272, ClinGen allele CA509908.